The following is an entry in ClinVar:

NM_152296.5(ATP1A3):c.724+7C>T

Gene: ATP1A3 (ATPase Na+/K+ transporting subunit alpha 3; minus strand). Cytogenetic location: 19q13.2.
Variant type: single nucleotide variant.
Coding change: c.724+7C>T on transcript NM_152296.5 (MANE Select); 7 bases into the intron after coding-DNA position 724, C replaced by T.
Molecular consequence: intron variant.
Genome position (GRCh38, 1-based): chr19:41,985,299, G>A on the plus strand (C>T on the coding strand, the complement: ATP1A3 is on the minus strand). VCF-style: chr19-41985299-G-A. GRCh37 (hg19) VCF-style: chr19-42489451-G-A.
Other names: c.763+7C>T (NM_001256214.2); c.757+7C>T (NM_001256213.2).
Identifiers: ClinVar variation 1005437 (VCV001005437.8), dbSNP rs1213902675, ClinGen allele CA633471552.

ClinVar aggregate classification (germline): Uncertain significance (1 of 4 stars; one submission).

Conditions:
Dystonia 12 (DYT12). Also called: DYT-ATP1A3; Rapid-Onset Dystonia-Parkinsonism (RDP). Identifiers: Orphanet 71517, MedGen C1868681, MONDO:0007496, OMIM 128235.

Allele frequency attached by ClinVar (database versions not stated): gnomAD exomes below 0.00001; TOPMed 0.00001.

Submission:

Labcorp Genetics (formerly Invitae), Labcorp
Classification: Uncertain significance for Dystonia 12. Last evaluated: 2025-05-14. Review status: criteria provided, single submitter. Criteria: Invitae Variant Classification Sherloc (09022015). Collection method: clinical testing. Allele origin: germline.
Comment: This sequence change falls in intron 7 of the ATP1A3 gene. It does not directly change the encoded amino acid sequence of the ATP1A3 protein. This variant is present in population databases (no rsID available, gnomAD 0.0009%). This variant has not been reported in the literature in individuals affected with ATP1A3-related conditions. ClinVar contains an entry for this variant (Variation ID: 1005437). Algorithms developed to predict the effect of sequence changes on RNA splicing suggest that this variant may create or strengthen a splice site. In summary, the available evidence is currently insufficient to determine the role of this variant in disease. Therefore, it has been classified as a Variant of Uncertain Significance.